The following is an entry in ClinVar:

ClinVar aggregate classification (germline): Uncertain significance. Review status: criteria provided, multiple submitters, no conflicts (2 of 4 stars). 3 submissions from 3 submitters: Uncertain significance (3). Last evaluated 2022-08-03.

Conditions:
Hereditary cancer-predisposing syndrome. Also called: Hereditary neoplastic syndrome; Neoplastic Syndromes, Hereditary; Hereditary Cancer Syndrome; Tumor predisposition. Identifiers: Orphanet 140162, MedGen C0027672, MeSH D009386, MONDO:0015356.
Familial cancer of breast. Also called: BREAST CANCER, FAMILIAL; Hereditary breast cancer; hereditary breast carcinoma. Identifiers: Orphanet 227535, MedGen C0346153, MONDO:0016419, OMIM 114480. Disease mechanism: loss of function.

Submissions (3):

Ambry Genetics
Classification: Uncertain significance for Hereditary cancer-predisposing syndrome. Last evaluated: 2022-08-03. Review status: criteria provided, single submitter. Criteria: Ambry Variant Classification Scheme 2023. Collection method: clinical testing. Allele origin: germline.
Comment: The p.K444R variant (also known as c.1331A>G), located in coding exon 11 of the CHEK2 gene, results from an A to G substitution at nucleotide position 1331. The lysine at codon 444 is replaced by arginine, an amino acid with highly similar properties. This amino acid position is well conserved in available vertebrate species. In addition, this alteration is predicted to be tolerated by in silico analysis. Since supporting evidence is limited at this time, the clinical significance of this alteration remains unclear.

Sema4
Classification: Uncertain significance for Hereditary cancer-predisposing syndrome. Last evaluated: 2021-11-22. Review status: criteria provided, single submitter. Criteria: Sema4 Curation Guidelines. Collection method: curation. Allele origin: germline.
Comment: The CHEK2 c.1331A>G (p.K444R) variant has not been reported in the literature to our knowledge. It was not observed in the large and broad cohorts of the Genome Aggregation Database. The variant has been reported in ClinVar (Variation ID: 530206). In silico tools suggest the impact of the variant on protein function is benign, though these predictions have not been confirmed by functional studies. The evidence is insufficient to meet ACMG/AMP criteria for classifying the variant as benign or pathogenic. Thus, the clinical significance of this variant is currently uncertain.

Labcorp Genetics (formerly Invitae), Labcorp
Classification: Uncertain significance for Familial cancer of breast. Last evaluated: 2017-09-16. Review status: criteria provided, single submitter. Criteria: Invitae Variant Classification Sherloc (09022015). Collection method: clinical testing. Allele origin: germline.
Comment: This variant has not been reported in the literature in individuals with CHEK2-related disease. Algorithms developed to predict the effect of missense changes on protein structure and function (SIFT, PolyPhen-2, Align-GVGD) all suggest that this variant is likely to be tolerated, but these predictions have not been confirmed by published functional studies and their clinical significance is uncertain. In summary, the available evidence is currently insufficient to determine the role of this variant in disease. Therefore, it has been classified as a Variant of Uncertain Significance. This variant is not present in population databases (ExAC no frequency). This sequence change replaces lysine with arginine at codon 444 of the CHEK2 protein (p.Lys444Arg). The lysine residue is moderately conserved and there is a small physicochemical difference between lysine and arginine.

NM_007194.4(CHEK2):c.1331A>G (p.Lys444Arg)

Gene: CHEK2 (checkpoint kinase 2; minus strand). Cytogenetic location: 22q12.1.
Variant type: single nucleotide variant.
Coding change: c.1331A>G on transcript NM_007194.4 (MANE Select); coding-DNA position 1331, A replaced by G.
Protein change: p.Lys444Arg; replaces lysine 444 with arginine.
Molecular consequence: missense variant.
Genome position (GRCh38, 1-based): chr22:28,695,171, T>C on the plus strand (A>G on the coding strand, the complement: CHEK2 is on the minus strand). VCF-style: chr22-28695171-T-C. GRCh37 (hg19) VCF-style: chr22-29091159-T-C.
Other names: c.1460A>G, p.Lys487Arg (NM_001005735.3); c.668A>G, p.Lys223Arg (NM_001257387.3); c.1130A>G, p.Lys377Arg (NM_001349956.3); c.1244A>G, p.Lys415Arg (NM_145862.3); short protein forms K444R, K223R, K415R, K487R, K377R.
Identifiers: ClinVar variation 530206 (VCV000530206.12), dbSNP rs1555913454, ClinGen allele CA411095806.